The following is an entry in ClinVar:

ClinVar aggregate classification (germline): Likely benign. Review status: criteria provided, multiple submitters, no conflicts (2 of 4 stars). 3 submissions from 3 submitters: Likely benign (3). Last evaluated 2026-01-28.

Allele frequency attached by ClinVar (database versions not stated): ExAC 0.00005; gnomAD 0.00005; TOPMed 0.00006; gnomAD exomes 0.00008 and 0.00016.

Submissions (3):

Labcorp Genetics (formerly Invitae), Labcorp
Classification: Likely benign. Last evaluated: 2026-01-28. Review status: criteria provided, single submitter. Criteria: Invitae Variant Classification Sherloc (09022015). Collection method: clinical testing. Allele origin: germline.

CeGaT Center for Human Genetics Tuebingen
Classification: Likely benign. Last evaluated: 2024-06-01. Review status: criteria provided, single submitter. Criteria: CeGaT Center For Human Genetics Tuebingen Variant Classification Criteria Version 2. Collection method: clinical testing. Allele origin: germline. Affected: yes. Observed: 1 variant allele.
Comment: GRIA3: BP4, BP7, BS2

Blueprint Genetics
Classification: Likely benign. Last evaluated: 2024-01-18. Review status: criteria provided, single submitter. Criteria: ACMG Guidelines, 2015. Collection method: clinical testing. Allele origin: germline.

NM_007325.5(GRIA3):c.1431C>T (p.Asp477=)

Gene: GRIA3 (glutamate ionotropic receptor AMPA type subunit 3; plus strand). Cytogenetic location: Xq25.
Variant type: single nucleotide variant.
Coding change: c.1431C>T on transcript NM_007325.5 (MANE Select); coding-DNA position 1431, C replaced by T.
Protein change: p.Asp477=; no amino-acid change (aspartic acid 477 retained).
Molecular consequence: synonymous variant.
Genome position (GRCh38, 1-based): chrX:123,404,845, C>T. VCF-style: chrX-123404845-C-T. GRCh37 (hg19) VCF-style: chrX-122538696-C-T.
Other names: c.1431C>T, p.Asp477= (NM_000828.5).
Identifiers: ClinVar variation 1560212 (VCV001560212.27), dbSNP rs759741573, ClinGen allele CA10507053.